The following is an entry in ClinVar:

NM_004369.4(COL6A3):c.5479G>A (p.Gly1827Ser)

Gene: COL6A3 (collagen type VI alpha 3 chain; minus strand). Cytogenetic location: 2q37.3.
Variant type: single nucleotide variant.
Coding change: c.5479G>A on transcript NM_004369.4 (MANE Select); coding-DNA position 5479, G replaced by A.
Protein change: p.Gly1827Ser; replaces glycine 1827 with serine.
Molecular consequence: missense variant.
Genome position (GRCh38, 1-based): chr2:237,366,708, C>T on the plus strand (G>A on the coding strand, the complement: COL6A3 is on the minus strand). VCF-style: chr2-237366708-C-T. GRCh37 (hg19) VCF-style: chr2-238275351-C-T.
Other names: c.3658G>A, p.Gly1220Ser (NM_057166.5); c.4861G>A, p.Gly1621Ser (NM_057167.4); c.5479G>A (NM_004369.3); short protein forms G1220S, G1621S, G1827S.
Identifiers: ClinVar variation 1436634 (VCV001436634.7), dbSNP rs1440752292, ClinGen allele CA351187226.

ClinVar aggregate classification (germline): Uncertain significance. Review status: criteria provided, multiple submitters, no conflicts (2 of 4 stars). 2 submissions from 2 submitters: Uncertain significance (2). Last evaluated 2024-11-05.

Conditions:
Bethlem myopathy 1A. Also called: MYOPATHY, BENIGN CONGENITAL, WITH CONTRACTURES; Bethlem Muscular Dystrophy; Bethlem myopathy 1. Identifiers: Orphanet 610, MedGen CN029274, MONDO:0024530, OMIM 158810.

Allele frequency attached by ClinVar (database versions not stated): gnomAD exomes below 0.00001.
gnomAD v4.1: 2 of 1,614,244 alleles (0.00012%); highest among the groups gnomAD compares: Admixed American, 0.0033%; no homozygotes.

Submissions (2):

Labcorp Genetics (formerly Invitae), Labcorp
Classification: Uncertain significance for Bethlem myopathy 1A. Last evaluated: 2024-11-05. Review status: criteria provided, single submitter. Criteria: Invitae Variant Classification Sherloc (09022015). Collection method: clinical testing. Allele origin: germline.
Comment: This sequence change replaces glycine, which is neutral and non-polar, with serine, which is neutral and polar, at codon 1827 of the COL6A3 protein (p.Gly1827Ser). This variant is present in population databases (no rsID available, gnomAD 0.003%). This variant has not been reported in the literature in individuals affected with COL6A3-related conditions. ClinVar contains an entry for this variant (Variation ID: 1436634). Invitae Evidence Modeling of protein sequence and biophysical properties (such as structural, functional, and spatial information, amino acid conservation, physicochemical variation, residue mobility, and thermodynamic stability) indicates that this missense variant is not expected to disrupt COL6A3 protein function with a negative predictive value of 80%. In summary, the available evidence is currently insufficient to determine the role of this variant in disease. Therefore, it has been classified as a Variant of Uncertain Significance.

GeneDx
Classification: Uncertain significance. Last evaluated: 2023-03-27. Review status: criteria provided, single submitter. Criteria: GeneDx Variant Classification Process June 2021. Collection method: clinical testing. Allele origin: germline. Affected: yes.
Comment: Not observed at significant frequency in large population cohorts (gnomAD); In silico analysis supports that this missense variant does not alter protein structure/function; Has not been previously published as pathogenic or benign to our knowledge